The following is an entry in ClinVar:

NM_005751.5(AKAP9):c.9390G>C (p.Gln3130His)

Gene: AKAP9 (A-kinase anchoring protein 9; plus strand). Cytogenetic location: 7q21.2.
Variant type: single nucleotide variant.
Coding change: c.9390G>C on transcript NM_005751.5 (MANE Select); coding-DNA position 9390, G replaced by C.
Protein change: p.Gln3130His; replaces glutamine 3130 with histidine.
Molecular consequence: missense variant.
Genome position (GRCh38, 1-based): chr7:92,093,128, G>C. VCF-style: chr7-92093128-G-C. GRCh37 (hg19) VCF-style: chr7-91722442-G-C.
Other names: c.4035G>C, p.Gln1345His (NM_001379277.1); c.9366G>C, p.Gln3122His (NM_147185.3); short protein forms Q3130H, Q1345H, Q3122H.
Identifiers: ClinVar variation 1766775 (VCV001766775.2), dbSNP rs1196424928, ClinGen allele CA368146596.

ClinVar aggregate classification (germline): Uncertain significance (1 of 4 stars; one submission).

Conditions:
Cardiovascular phenotype. Identifiers: MedGen CN230736.

Allele frequency attached by ClinVar (database versions not stated): TOPMed below 0.00001; gnomAD 0.00001; gnomAD exomes 0.00001.
gnomAD v4.1: 5 of 1,613,990 alleles (0.00031%); highest among the groups gnomAD compares: Non-Finnish European, 0.00042%; no homozygotes.

Submission:

Ambry Genetics
Classification: Uncertain significance for Cardiovascular phenotype. Last evaluated: 2022-08-27. Review status: criteria provided, single submitter. Criteria: Ambry Variant Classification Scheme 2023. Collection method: clinical testing. Allele origin: germline.
Comment: The p.Q3130H variant (also known as c.9390G>C), located in coding exon 39 of the AKAP9 gene, results from a G to C substitution at nucleotide position 9390. The glutamine at codon 3130 is replaced by histidine, an amino acid with highly similar properties. This amino acid position is conserved. In addition, this alteration is predicted to be tolerated by in silico analysis. Since supporting evidence is limited at this time, the clinical significance of this alteration remains unclear.